The following is an entry in ClinVar:

ClinVar aggregate classification (germline): Uncertain significance (1 of 4 stars; one submission).

Submission:

Ambry Genetics
Classification: Uncertain significance. Last evaluated: 2026-07-01. Review status: criteria provided, single submitter. Criteria: Ambry Variant Classification Scheme 2023. Collection method: clinical testing. Allele origin: germline.
Comment: The p.I545V variant (also known as c.1633A>G), located in coding exon 16 of the NEBL gene, results from an A to G substitution at nucleotide position 1633. The isoleucine at codon 545 is replaced by valine, an amino acid with highly similar properties. This amino acid position is conserved. In addition, this alteration is predicted to be tolerated by in silico analysis. Based on the available evidence, the clinical significance of this variant remains unclear.

NM_006393.3(NEBL):c.1633A>G (p.Ile545Val)

Gene: NEBL (nebulette; minus strand). Cytogenetic location: 10p12.31.
Variant type: single nucleotide variant.
Coding change: c.1633A>G on transcript NM_006393.3 (MANE Select); coding-DNA position 1633, A replaced by G.
Protein change: p.Ile545Val; replaces isoleucine 545 with valine.
Molecular consequence: missense variant. On other transcripts: intron variant (9).
Genome position (GRCh38, 1-based): chr10:20,831,234, T>C on the plus strand (A>G on the coding strand, the complement: NEBL is on the minus strand). VCF-style: chr10-20831234-T-C. GRCh37 (hg19) VCF-style: chr10-21120163-T-C.
Other names: c.250-18294A>G (NM_001377326.1, NM_001377327.1, NM_001377328.1); c.358-18294A>G (NM_213569.2, NM_001173484.2, NM_001377322.1); c.301-18294A>G (NM_001377324.1); c.292-18294A>G (NM_001377325.1); c.310-18294A>G (NM_001377323.1); short protein forms I545V.
Identifiers: ClinVar variation 5025462 (VCV005025462.1).
Genomic context (GRCh38, chr10:20,831,234, plus strand): 5'-AGCATCTTCATTCATGACCAACCTGGCTATAGATTTCAGATGTCCTCTTGGCTCGAAGGA[T>C]ATCTGGGATATCCATGCTCACTTGCATTCCTTTCCCTTTAATTTCATTTTCTAAGTCCTT-3'
Protein context (NP_006384.1, residues 535-555): GMQVSMDIPD[Ile545Val]LRAKRTSEIY